The following is an entry in ClinVar:

ClinVar aggregate classification (germline): Uncertain significance. Review status: reviewed by expert panel (3 of 4 stars). 6 submissions from 6 submitters: Uncertain significance (1). 5 of the submissions do not count toward it. Last evaluated 2025-01-07.

Conditions:
Global developmental delay - lung cysts - overgrowth - Wilms tumor syndrome. Also called: GLOW Syndrome; GLOBAL DEVELOPMENTAL DELAY, LUNG CYSTS, OVERGROWTH, AND WILMS TUMOR. Identifiers: Orphanet 404476, MedGen C4748924, MONDO:0018445, OMIM 618272.
DICER1-related tumor predisposition. Also called: DICER1-related pleuropulmonary blastoma cancer predisposition syndrome; DICER1 syndrome. Identifiers: Orphanet 284343, MedGen C3839822, MONDO:0100216.
Hereditary cancer-predisposing syndrome. Also called: Hereditary neoplastic syndrome; Neoplastic Syndromes, Hereditary; Tumor predisposition; Hereditary Cancer Syndrome. Identifiers: Orphanet 140162, MedGen C0027672, MeSH D009386, MONDO:0015356.

Allele frequency attached by ClinVar (database versions not stated): ExAC 0.00001; gnomAD 0.00001; gnomAD exomes 0.00001 and 0.00002; TOPMed 0.00001.
gnomAD v4.1: 18 of 1,613,564 alleles (0.0011%); highest among the groups gnomAD compares: South Asian, 0.0033%; no homozygotes.

Submissions (6):

ClinGen DICER1 and miRNA-Processing Gene Variant Curation Expert Panel, ClinGen
Classification: Uncertain significance for DICER1-related tumor predisposition. Last evaluated: 2025-01-07. Review status: reviewed by expert panel. Criteria: ClinGen DICER1 ACMG Specifications DICER1 V1.3.0. Collection method: curation. Allele origin: germline. Inheritance: Autosomal dominant inheritance.
Comment: The NM_177438.3:c.2417C>T variant in DICER1 is a missense variant predicted to cause substitution of threonine by methionine at amino acid 806 (p.Thr806Met). Although this variant has been observed in germline cases, to our knowledge, this variant has not been reported in individuals with DICER1-related tumor predisposition (PS4 not met; PMID: 33630087; Internal lab contributors). This variant has been seen in 10 or more unrelated females without tumors through age 50 in at least one testing laboratory (BS2_Supporting; Internal lab contributors). The total allele frequency in gnomAD v4.1.0 is 0.00001116(18/1613564 alleles) with a highest population minor allele frequency of 0.00003294 (3/91066 alleles) in the South Asian population (PM2_Supporting, BS1, and BA1 are not met). The computational predictor REVEL gives a score of 0.746, which is neither above nor below the thresholds predicting a damaging or benign impact on DICER1 function (PP3 and BP4 not met). In summary, this variant meets the criteria to be classified as a variant of uncertain significance for DICER1-related tumor predisposition based on the ACMG/AMP criteria applied, as specified by the ClinGen DICER1 VCEP: BS2_Supporting. (Bayesian Points: -1; VCEP specifications version 1.3.0; 01/07/2025)

Quest Diagnostics Nichols Institute San Juan Capistrano
Classification: Uncertain significance. Last evaluated: 2025-09-11. Review status: criteria provided, single submitter. Criteria: Quest Diagnostics criteria. Collection method: clinical testing. Allele origin: unknown. Not counted in ClinVar's aggregate classification.
Comment: The DICER1 c.2417C>T (p.Thr806Met) variant has not been reported in individuals with DICER1-related conditions in the published literature. The frequency of this variant in the general population (Genome Aggregation Database) is uninformative in the assessment of its pathogenicity. Analysis of this variant using bioinformatics tools for the prediction of the effect of amino acid changes on protein structure and function yielded predictions that this variant is damaging. Based on the available information, we are unable to determine the clinical significance of this variant.

Labcorp Genetics (formerly Invitae), Labcorp
Classification: Uncertain significance for DICER1-related tumor predisposition. Last evaluated: 2025-07-31. Review status: criteria provided, single submitter. Criteria: Invitae Variant Classification Sherloc (09022015). Collection method: clinical testing. Allele origin: germline. Not counted in ClinVar's aggregate classification.
Comment: This sequence change replaces threonine, which is neutral and polar, with methionine, which is neutral and non-polar, at codon 806 of the DICER1 protein (p.Thr806Met). This variant is present in population databases (rs749834289, gnomAD 0.006%). This variant has not been reported in the literature in individuals affected with DICER1-related conditions. ClinVar contains an entry for this variant (Variation ID: 412136). Invitae Evidence Modeling of protein sequence and biophysical properties (such as structural, functional, and spatial information, amino acid conservation, physicochemical variation, residue mobility, and thermodynamic stability) indicates that this missense variant is not expected to disrupt DICER1 protein function with a negative predictive value of 95%. In summary, the available evidence is currently insufficient to determine the role of this variant in disease. Therefore, it has been classified as a Variant of Uncertain Significance.

Ambry Genetics
Classification: Uncertain significance for Hereditary cancer-predisposing syndrome. Last evaluated: 2024-11-11. Review status: criteria provided, single submitter. Criteria: Ambry Variant Classification Scheme 2023. Collection method: clinical testing. Allele origin: germline. Not counted in ClinVar's aggregate classification.
Comment: The p.T806M variant (also known as c.2417C>T), located in coding exon 14 of the DICER1 gene, results from a C to T substitution at nucleotide position 2417. The threonine at codon 806 is replaced by methionine, an amino acid with similar properties. This amino acid position is highly conserved in available vertebrate species. In addition, this alteration is predicted to be deleterious by in silico analysis. Based on the available evidence, the clinical significance of this variant remains unclear.

Baylor Genetics
Classification: Uncertain significance for Global developmental delay - lung cysts - overgrowth - Wilms tumor syndrome. Last evaluated: 2023-12-08. Review status: criteria provided, single submitter. Criteria: ACMG Guidelines, 2015. Collection method: clinical testing. Allele origin: unknown. Not counted in ClinVar's aggregate classification.

GeneDx
Classification: Uncertain significance. Last evaluated: 2022-04-25. Review status: criteria provided, single submitter. Criteria: GeneDx Variant Classification Process June 2021. Collection method: clinical testing. Allele origin: germline. Affected: yes. Not counted in ClinVar's aggregate classification.
Comment: Not observed at significant frequency in large population cohorts (gnomAD); In silico analysis supports that this missense variant has a deleterious effect on protein structure/function; Observed in individuals with colon cancer and other cancers (Mirshahi 2021); This variant is associated with the following publications: (PMID: 33630087)

Literature cited by the submitters: PubMed 33630087 (cited by Quest Diagnostics Nichols Institute San Juan Capistrano and Ambry Genetics).

NM_177438.3(DICER1):c.2417C>T (p.Thr806Met)

Gene: DICER1 (dicer 1, ribonuclease III; minus strand). Cytogenetic location: 14q32.13.
Variant type: single nucleotide variant.
Coding change: c.2417C>T on transcript NM_177438.3 (MANE Select); coding-DNA position 2417, C replaced by T.
Protein change: p.Thr806Met; replaces threonine 806 with methionine.
Molecular consequence: missense variant.
Genome position (GRCh38, 1-based): chr14:95,108,343, G>A on the plus strand (C>T on the coding strand, the complement: DICER1 is on the minus strand). VCF-style: chr14-95108343-G-A. GRCh37 (hg19) VCF-style: chr14-95574680-G-A.
Other names: NM_177438.3(DICER1):c.2417C>T; p.Thr806Met; c.2417C>T, p.Thr806Met (NM_001195573.1, NM_001271282.3, NM_001291628.2 and 1 more transcripts); short protein forms T806M.
Identifiers: ClinVar variation 412136 (VCV000412136.18), dbSNP rs749834289, ClinGen allele CA7331249.